The following is an entry in ClinVar:

ClinVar aggregate classification (germline): Uncertain significance. Review status: criteria provided, multiple submitters, no conflicts (2 of 4 stars). 2 submissions from 2 submitters: Uncertain significance (2). Last evaluated 2024-07-08.

Conditions:
Hereditary cancer-predisposing syndrome. Also called: Tumor predisposition; Neoplastic Syndromes, Hereditary; Hereditary neoplastic syndrome; Hereditary Cancer Syndrome. Identifiers: Orphanet 140162, MedGen C0027672, MeSH D009386, MONDO:0015356.
Multiple endocrine neoplasia, type 2 (MEN2). Identifiers: Orphanet 653, MedGen C4048306, MONDO:0019003. Disease mechanism: gain of function.

Submissions (2):

Ambry Genetics
Classification: Uncertain significance for Hereditary cancer-predisposing syndrome. Last evaluated: 2024-07-08. Review status: criteria provided, single submitter. Criteria: Ambry Variant Classification Scheme 2023. Collection method: clinical testing. Allele origin: germline.
Comment: The c.1648+4A>C intronic variant results from an A to C substitution 4 nucleotides after coding exon 8 in the RET gene. This nucleotide position is not well conserved in available vertebrate species. In silico splice site analysis predicts that this alteration may result in the creation or strengthening of a novel splice donor site. Based on the available evidence, the clinical significance of this variant remains unclear.

Labcorp Genetics (formerly Invitae), Labcorp
Classification: Uncertain significance for Multiple endocrine neoplasia, type 2. Last evaluated: 2020-09-17. Review status: criteria provided, single submitter. Criteria: Invitae Variant Classification Sherloc (09022015). Collection method: clinical testing. Allele origin: germline.
Comment: This sequence change falls in intron 8 of the RET gene. It does not directly change the encoded amino acid sequence of the RET protein, but it affects a nucleotide within the consensus splice site of the intron. This variant is not present in population databases (ExAC no frequency). This variant has not been reported in the literature in individuals with RET-related conditions. Nucleotide substitutions within the consensus splice site are a relatively common cause of aberrant splicing (PMID: 17576681, 9536098). Algorithms developed to predict the effect of sequence changes on RNA splicing suggest that this variant is not likely to affect RNA splicing, but this prediction has not been confirmed by published transcriptional studies. In summary, the available evidence is currently insufficient to determine the role of this variant in disease. Therefore, it has been classified as a Variant of Uncertain Significance.

Literature cited by the submitters: PubMed 17576681 (cited by Labcorp Genetics (formerly Invitae), Labcorp); PubMed 9536098 (cited by Labcorp Genetics (formerly Invitae), Labcorp).

NM_020975.6(RET):c.1648+4A>C

Gene: RET (ret proto-oncogene; plus strand). Cytogenetic location: 10q11.21.
Variant type: single nucleotide variant.
Coding change: c.1648+4A>C on transcript NM_020975.6 (MANE Select); 4 bases into the intron after coding-DNA position 1648, A replaced by C.
Molecular consequence: intron variant.
Genome position (GRCh38, 1-based): chr10:43,112,228, A>C. VCF-style: chr10-43112228-A-C. GRCh37 (hg19) VCF-style: chr10-43607676-A-C.
Other names: c.1648+4A>C (NM_020630.7, NM_001406743.1, NM_001406744.1 and 4 more transcripts); c.1252+4A>C (NM_001406772.1, NM_001406769.1); c.1210+4A>C (NM_001406773.1, NM_001406771.1); c.751+4A>C (NM_001406782.1, NM_001406780.1, NM_001406779.1 and 3 more transcripts); c.1519+4A>C (NM_001406764.1, NM_001406762.1, NM_001406761.1 and 1 more transcripts); c.1123+4A>C (NM_001406774.1); c.622+4A>C (NM_001406786.1, NM_001406783.1); c.1360+4A>C (NM_001406770.1, NM_001406766.1, NM_001406767.1); and 5 more.
Identifiers: ClinVar variation 848850 (VCV000848850.6), dbSNP rs1837955885, ClinGen allele CA916081583.
Genomic context (GRCh38, chr10:43,112,228, plus strand): 5'-GTGGCGGCCTGGGCTCCCCAACAGGCAGGTGTGAGTGGAGGCAAGGAGATGGCAAAGGTA[A>C]GCCCTGGAAACGCCCAAGGGAGGCCTGCAGGGGCGATGGCACCGGTGGAAACGGGGTCCT-3'